The following is an entry in ClinVar:

GRCh38/hg38 17q12(chr17:36466620-37948228)x3

Genes: LHX1-DT (LHX1 divergent transcript; minus strand), MIR2909 (microRNA 2909; plus strand), AATF (apoptosis antagonizing transcription factor; plus strand), ACACA (acetyl-CoA carboxylase alpha; minus strand), C17orf78 (chromosome 17 open reading frame 78; plus strand) and 31 more. Cytogenetic location: 17q12.
Variant type: copy number gain.
Change: copy number 3 (three copies instead of two) of chr17:36,466,620-37,948,228 (1.48 Mb, GRCh38 coordinates, 1-based), cytogenetic band 17q12.
Identifiers: ClinVar variation 4796413 (VCV004796413.1).

ClinVar aggregate classification (germline): Pathogenic (1 of 4 stars; one submission).

Submission:

Medical Genetic Center, Changzhi Maternal and Child Health Care Hospital
Classification: Pathogenic. Last evaluated: 2025-12-10. Review status: criteria provided, single submitter. Criteria: ACMG/ClinGen CNV Guidelines, 2019. Collection method: clinical testing. Allele origin: unknown.
Comment: 2A:17q12 recurrent (RCAD syndrome) region (includes HNF1B)